The following is an entry in ClinVar:

NM_015909.4(NBAS):c.5816A>G (p.Asp1939Gly)

Gene: NBAS (NBAS subunit of NRZ tethering complex; minus strand). Cytogenetic location: 2p24.3.
Variant type: single nucleotide variant.
Coding change: c.5816A>G on transcript NM_015909.4 (MANE Select); coding-DNA position 5816, A replaced by G.
Protein change: p.Asp1939Gly; replaces aspartic acid 1939 with glycine.
Molecular consequence: missense variant. On other transcripts: non-coding transcript variant (1).
Genome position (GRCh38, 1-based): chr2:15,238,595, T>C on the plus strand (A>G on the coding strand, the complement: NBAS is on the minus strand). VCF-style: chr2-15238595-T-C. GRCh37 (hg19) VCF-style: chr2-15378719-T-C.
Other names: short protein forms D1939G.
Identifiers: ClinVar variation 1442841 (VCV001442841.5), dbSNP rs2147945523, ClinGen allele CA345891775.

ClinVar aggregate classification (germline): Uncertain significance (1 of 4 stars; one submission).

Submission:

Labcorp Genetics (formerly Invitae), Labcorp
Classification: Uncertain significance. Last evaluated: 2024-03-11. Review status: criteria provided, single submitter. Criteria: Invitae Variant Classification Sherloc (09022015). Collection method: clinical testing. Allele origin: germline.
Comment: This sequence change replaces aspartic acid, which is acidic and polar, with glycine, which is neutral and non-polar, at codon 1939 of the NBAS protein (p.Asp1939Gly). This variant is not present in population databases (gnomAD no frequency). This variant has not been reported in the literature in individuals affected with NBAS-related conditions. ClinVar contains an entry for this variant (Variation ID: 1442841). Advanced modeling of protein sequence and biophysical properties (such as structural, functional, and spatial information, amino acid conservation, physicochemical variation, residue mobility, and thermodynamic stability) performed at Invitae indicates that this missense variant is not expected to disrupt NBAS protein function with a negative predictive value of 95%. In summary, the available evidence is currently insufficient to determine the role of this variant in disease. Therefore, it has been classified as a Variant of Uncertain Significance.